The following is an entry in ClinVar:

NM_007294.4(BRCA1):c.579G>A (p.Lys193=)

Gene: BRCA1 (BRCA1 DNA repair associated; minus strand). Cytogenetic location: 17q21.31.
Variant type: single nucleotide variant.
Coding change: c.579G>A on transcript NM_007294.4 (MANE Select); coding-DNA position 579, G replaced by A.
Protein change: p.Lys193=; no amino-acid change (lysine 193 retained).
Molecular consequence: synonymous variant. On other transcripts: intron variant (115).
Genome position (GRCh38, 1-based): chr17:43,097,258, C>T on the plus strand (G>A on the coding strand, the complement: BRCA1 is on the minus strand). VCF-style: chr17-43097258-C-T. GRCh37 (hg19) VCF-style: chr17-41249275-C-T.
Other names: c.366G>A, p.Lys122= (NM_001407571.1, NM_001407853.1, NM_001407894.1 and 12 more transcripts); c.579G>A, p.Lys193= (NM_001407581.1, NM_001407582.1, NM_001407583.1 and 59 more transcripts); c.576G>A, p.Lys192= (NM_001407587.1, NM_001407590.1, NM_001407591.1 and 41 more transcripts); c.570G>A, p.Lys190= (NM_001407646.1, NM_001407647.1, NM_001408408.1); c.501G>A, p.Lys167= (NM_001407653.1, NM_001407654.1, NM_001407655.1 and 9 more transcripts); c.498G>A, p.Lys166= (NM_001407659.1, NM_001407660.1, NM_001407661.1 and 3 more transcripts); c.438G>A, p.Lys146= (NM_001407692.1, NM_001407694.1, NM_001407695.1 and 43 more transcripts); c.435G>A, p.Lys145= (NM_001407740.1, NM_001407741.1, NM_001407742.1 and 26 more transcripts); and 17 more.
Identifiers: ClinVar variation 427322 (VCV000427322.6), dbSNP rs759197544, ClinGen allele CA056472.

ClinVar aggregate classification (germline): Likely benign. Review status: reviewed by expert panel (3 of 4 stars). 2 submissions from 2 submitters: Likely benign (1). 1 of the submissions does not count toward it. Last evaluated 2017-06-29.

Conditions:
Hereditary breast ovarian cancer syndrome. Also called: Hereditary breast and ovarian cancer syndrome (HBOC); BRCA1- and BRCA2-Associated Hereditary Breast and Ovarian Cancer; Hereditary breast and/or ovarian cancer syndrome; Hereditary breast and ovarian cancer syndrome; Hereditary breast and ovarian cancer; Breast and ovarian cancer. Identifiers: Orphanet 145, MedGen C0677776, MeSH D061325, MONDO:0003582. Disease mechanism: loss of function.
Breast-ovarian cancer, familial, susceptibility to, 1 (BROVCA1). Also called: BRCA1 Hereditary Breast and Ovarian Cancer; OVARIAN CANCER, SUSCEPTIBILITY TO. Identifiers: Orphanet 145, MedGen C2676676, MONDO:0011450, OMIM 604370. Disease mechanism: loss of function.

Allele frequency attached by ClinVar (database versions not stated): gnomAD exomes below 0.00001; ExAC 0.00001.
gnomAD v4.1: 1 of 1,613,702 alleles (0.000062%); no homozygotes.

Submissions (2):

Evidence-based Network for the Interpretation of Germline Mutant Alleles (ENIGMA)
Classification: Likely benign for Breast-ovarian cancer, familial, susceptibility to, 1. Last evaluated: 2017-06-29. Review status: reviewed by expert panel. Criteria: ENIGMA BRCA1/2 Classification Criteria (2017-06-29). Collection method: curation. Allele origin: germline.
Comment: Synonymous substitution variant, with low bioinformatic likelihood to result in a splicing aberration (Splicing prior probability 0.02).

Labcorp Genetics (formerly Invitae), Labcorp
Classification: Likely benign for Hereditary breast ovarian cancer syndrome. Last evaluated: 2025-12-16. Review status: criteria provided, single submitter. Criteria: Invitae Variant Classification Sherloc (09022015). Collection method: clinical testing. Allele origin: germline. Not counted in ClinVar's aggregate classification.